The following is an entry in ClinVar:

ClinVar aggregate classification (germline): Uncertain significance (1 of 4 stars; one submission).

gnomAD v4.1: 1 of 1,592,956 alleles (0.000063%); highest among the groups gnomAD compares: South Asian, 0.0011%; no homozygotes.

Submission:

Labcorp Genetics (formerly Invitae), Labcorp
Classification: Uncertain significance. Last evaluated: 2025-08-30. Review status: criteria provided, single submitter. Criteria: Invitae Variant Classification Sherloc (09022015). Collection method: clinical testing. Allele origin: germline.
Comment: This sequence change replaces lysine, which is basic and polar, with arginine, which is basic and polar, at codon 5020 of the PCLO protein (p.Lys5020Arg). This variant is not present in population databases (gnomAD no frequency). This variant has not been reported in the literature in individuals affected with PCLO-related conditions. Experimental studies and prediction algorithms are not available or were not evaluated, and the functional significance of this variant is currently unknown. In summary, the available evidence is currently insufficient to determine the role of this variant in disease. Therefore, it has been classified as a Variant of Uncertain Significance.

NM_033026.6(PCLO):c.15059A>G (p.Lys5020Arg)

Gene: PCLO (piccolo presynaptic cytomatrix protein; minus strand). Cytogenetic location: 7q21.11.
Variant type: single nucleotide variant.
Coding change: c.15059A>G on transcript NM_033026.6 (MANE Select); coding-DNA position 15059, A replaced by G.
Protein change: p.Lys5020Arg; replaces lysine 5020 with arginine.
Molecular consequence: missense variant.
Genome position (GRCh38, 1-based): chr7:82,761,442, T>C on the plus strand (A>G on the coding strand, the complement: PCLO is on the minus strand). VCF-style: chr7-82761442-T-C. GRCh37 (hg19) VCF-style: chr7-82390758-T-C.
Other names: short protein forms K5020R.
Identifiers: ClinVar variation 4726334 (VCV004726334.1).